The following is an entry in ClinVar:

NM_007294.4(BRCA1):c.875del (p.Leu292fs)

Gene: BRCA1 (BRCA1 DNA repair associated; minus strand). Cytogenetic location: 17q21.31.
Variant type: Deletion.
Coding change: c.875del on transcript NM_007294.4 (MANE Select); coding-DNA position 875, one base deleted (T; older notation c.875delT).
Protein change: p.Leu292fs; shifts the reading frame from leucine 292.
Molecular consequence: frameshift variant. On other transcripts: 5 prime UTR variant (2), intron variant (137).
Genome position (GRCh38, 1-based): chr17:43,094,656, A deleted on the plus strand (T on the coding strand, the reverse complement: BRCA1 is on the minus strand). VCF-style (leftmost placement, unchanged base first): chr17-43094655-GA-G. GRCh37 (hg19) VCF-style: chr17-41246672-GA-G.
Other names: c.494del, p.Leu165fs (NM_001407963.1, NM_001407959.1, NM_001407960.1); c.731del, p.Leu244fs (NM_001407964.1, NM_001407740.1, NM_001407741.1 and 20 more transcripts); c.371del, p.Leu124fs (NM_001407965.1); c.-14del (NM_001407966.1, NM_001407967.1); c.734del, p.Leu245fs (NM_007297.4, NM_001407692.1, NM_001407694.1 and 29 more transcripts); c.875del, p.Leu292fs (NM_007300.4, NM_001407581.1, NM_001407582.1 and 30 more transcripts); c.646+88del (NM_001408458.1, NM_001408469.1, NM_001408453.1 and 11 more transcripts); c.283+88del (NM_001408512.1); and 40 more; short protein forms L292fs, L245fs, L164fs, L180fs, L203fs, L221fs, L225fs, L244fs.
Identifiers: ClinVar variation 254383 (VCV000254383.17), dbSNP rs886037981, ClinGen allele CA10586663.

ClinVar aggregate classification (germline): Pathogenic. Review status: reviewed by expert panel (3 of 4 stars). 3 submissions from 3 submitters: Pathogenic (1). 2 of the submissions do not count toward it. Last evaluated 2016-09-08.

Conditions:
Hereditary cancer-predisposing syndrome. Also called: Hereditary Cancer Syndrome; Neoplastic Syndromes, Hereditary; Hereditary neoplastic syndrome; Tumor predisposition. Identifiers: Orphanet 140162, MedGen C0027672, MeSH D009386, MONDO:0015356.
Hereditary breast ovarian cancer syndrome. Also called: Hereditary breast and ovarian cancer syndrome (HBOC); Breast and ovarian cancer; Hereditary breast and ovarian cancer syndrome; Hereditary breast and ovarian cancer; BRCA1- and BRCA2-Associated Hereditary Breast and Ovarian Cancer; Hereditary breast and/or ovarian cancer syndrome. Identifiers: Orphanet 145, MedGen C0677776, MeSH D061325, MONDO:0003582. Disease mechanism: loss of function.
Breast-ovarian cancer, familial, susceptibility to, 1 (BROVCA1). Also called: BRCA1 Hereditary Breast and Ovarian Cancer; OVARIAN CANCER, SUSCEPTIBILITY TO. Identifiers: Orphanet 145, MedGen C2676676, MONDO:0011450, OMIM 604370. Disease mechanism: loss of function.

Submissions (3):

Evidence-based Network for the Interpretation of Germline Mutant Alleles (ENIGMA)
Classification: Pathogenic for Breast-ovarian cancer, familial, susceptibility to, 1. Last evaluated: 2016-09-08. Review status: reviewed by expert panel. Criteria: ENIGMA BRCA1/2 Classification Criteria (2015). Collection method: curation. Allele origin: germline.
Comment: Variant allele predicted to encode a truncated non-functional protein.

Ambry Genetics
Classification: Pathogenic for Hereditary cancer-predisposing syndrome. Last evaluated: 2025-08-27. Review status: criteria provided, single submitter. Criteria: Ambry Variant Classification Scheme 2023. Collection method: clinical testing. Allele origin: germline. Not counted in ClinVar's aggregate classification.
Comment: The c.875delT pathogenic mutation, located in coding exon 9 of the BRCA1 gene, results from a deletion of one nucleotide at nucleotide position 875, causing a translational frameshift with a predicted alternate stop codon (p.L292Pfs*6). This variant is considered to be rare based on population cohorts in the Genome Aggregation Database (gnomAD). This alteration is expected to result in loss of function by premature protein truncation or nonsense-mediated mRNA decay. As such, this alteration is interpreted as a disease-causing mutation.

Labcorp Genetics (formerly Invitae), Labcorp
Classification: Pathogenic for Hereditary breast ovarian cancer syndrome. Last evaluated: 2022-02-10. Review status: criteria provided, single submitter. Criteria: Invitae Variant Classification Sherloc (09022015). Collection method: clinical testing. Allele origin: germline. Not counted in ClinVar's aggregate classification.
Comment: This sequence change creates a premature translational stop signal (p.Leu292Profs*6) in the BRCA1 gene. It is expected to result in an absent or disrupted protein product. Loss-of-function variants in BRCA1 are known to be pathogenic (PMID: 20104584). This variant is not present in population databases (gnomAD no frequency). This variant has not been reported in the literature in individuals affected with BRCA1-related conditions. ClinVar contains an entry for this variant (Variation ID: 254383). For these reasons, this variant has been classified as Pathogenic.

Literature cited by the submitters: PubMed 20104584 (cited by Labcorp Genetics (formerly Invitae), Labcorp).